The following is an entry in ClinVar:

ClinVar aggregate classification (germline): Benign/Likely benign. Review status: criteria provided, multiple submitters, no conflicts (2 of 4 stars). 6 submissions from 6 submitters: Benign (1); Likely benign (5). Last evaluated 2025-03-16.

Conditions:
Hereditary cancer-predisposing syndrome. Also called: Tumor predisposition; Neoplastic Syndromes, Hereditary; Hereditary Cancer Syndrome; Hereditary neoplastic syndrome. Identifiers: Orphanet 140162, MedGen C0027672, MeSH D009386, MONDO:0015356.
Hereditary diffuse gastric adenocarcinoma (HDGC). Also called: DIFFUSE GASTRIC AND LOBULAR BREAST CANCER SYNDROME. Identifiers: Orphanet 26106, MedGen C1708349, MONDO:0007648, OMIM 137215.

Allele frequency attached by ClinVar (database versions not stated): gnomAD exomes below 0.00001.
gnomAD v4.1: 4 of 1,548,720 alleles (0.00026%); highest among the groups gnomAD compares: South Asian, 0.0036%; no homozygotes.

Submissions (6):

Labcorp Genetics (formerly Invitae), Labcorp
Classification: Likely benign for Hereditary diffuse gastric adenocarcinoma. Last evaluated: 2025-03-16. Review status: criteria provided, single submitter. Criteria: Invitae Variant Classification Sherloc (09022015). Collection method: clinical testing. Allele origin: germline.

Myriad Genetics, Inc.
Classification: Benign for Hereditary diffuse gastric adenocarcinoma. Last evaluated: 2024-09-11. Review status: criteria provided, single submitter. Criteria: Myriad Autosomal Dominant, Autosomal Recessive and X-Linked Classification Criteria (2023). Collection method: clinical testing. Allele origin: unknown.
Comment: This variant is considered benign. This variant is a silent/synonymous amino acid change and it is not expected to impact splicing.

Sema4
Classification: Likely benign for Hereditary cancer-predisposing syndrome. Last evaluated: 2021-04-13. Review status: criteria provided, single submitter. Criteria: Sema4 Curation Guidelines. Collection method: curation. Allele origin: germline.

Color Diagnostics, LLC DBA Color Health
Classification: Likely benign for Hereditary cancer-predisposing syndrome. Last evaluated: 2019-10-24. Review status: criteria provided, single submitter. Criteria: ACMG Guidelines, 2015. Collection method: clinical testing. Allele origin: germline.

GeneDx
Classification: Likely benign. Last evaluated: 2019-07-02. Review status: criteria provided, single submitter. Criteria: GeneDx Variant Classification Process June 2021. Collection method: clinical testing. Allele origin: germline. Affected: yes.

Ambry Genetics
Classification: Likely benign for Hereditary cancer-predisposing syndrome. Last evaluated: 2016-07-18. Review status: criteria provided, single submitter. Criteria: Ambry Variant Classification Scheme 2023. Collection method: clinical testing. Allele origin: germline.

NM_004360.5(CDH1):c.90T>C (p.Pro30=)

Gene: CDH1 (cadherin 1; plus strand). Cytogenetic location: 16q22.1.
Variant type: single nucleotide variant.
Coding change: c.90T>C on transcript NM_004360.5 (MANE Select); coding-DNA position 90, T replaced by C.
Protein change: p.Pro30=; no amino-acid change (proline 30 retained).
Molecular consequence: synonymous variant. On other transcripts: 5 prime UTR variant (2).
Genome position (GRCh38, 1-based): chr16:68,738,338, T>C. VCF-style: chr16-68738338-T-C. GRCh37 (hg19) VCF-style: chr16-68772241-T-C.
Other names: c.90T>C (LRG_301t1); c.90T>C, p.Pro30= (NM_001317184.2); c.-1526T>C (NM_001317185.2); c.-1730T>C (NM_001317186.2).
Identifiers: ClinVar variation 479505 (VCV000479505.21), dbSNP rs1555509766, ClinGen allele CA496149601.